The following is an entry in ClinVar:

ClinVar aggregate classification (germline): Uncertain significance. Review status: criteria provided, multiple submitters, no conflicts (2 of 4 stars). 3 submissions from 3 submitters: Uncertain significance (3). Last evaluated 2024-08-25.

Conditions:
Neuromuscular disease caused by qualitative or quantitative defects of dysferlin. Also called: Qualitative or quantitative defects of dysferlin; Dysferlinopathy. Identifiers: Orphanet 207073, MedGen C2931687, MONDO:0016145.
Inborn genetic diseases. Identifiers: MedGen C0950123, MeSH D030342.

Allele frequency attached by ClinVar (database versions not stated): gnomAD exomes 0.00001; ExAC 0.00002; TOPMed 0.00002; gnomAD 0.00003.
gnomAD v4.1: 25 of 1,613,892 alleles (0.0015%); highest among the groups gnomAD compares: Middle Eastern, 0.016%; no homozygotes.

Submissions (3):

Ambry Genetics
Classification: Uncertain significance for Inborn genetic diseases. Last evaluated: 2024-08-25. Review status: criteria provided, single submitter. Criteria: Ambry Variant Classification Scheme 2023. Collection method: clinical testing. Allele origin: germline.

Labcorp Genetics (formerly Invitae), Labcorp
Classification: Uncertain significance for Neuromuscular disease caused by qualitative or quantitative defects of dysferlin. Last evaluated: 2022-08-07. Review status: criteria provided, single submitter. Criteria: Invitae Variant Classification Sherloc (09022015). Collection method: clinical testing. Allele origin: germline.
Comment: This sequence change replaces arginine, which is basic and polar, with glutamine, which is neutral and polar, at codon 1375 of the DYSF protein (p.Arg1375Gln). This variant is present in population databases (rs749549982, gnomAD 0.004%). This variant has not been reported in the literature in individuals affected with DYSF-related conditions. Advanced modeling of protein sequence and biophysical properties (such as structural, functional, and spatial information, amino acid conservation, physicochemical variation, residue mobility, and thermodynamic stability) performed at Invitae indicates that this missense variant is not expected to disrupt DYSF protein function. In summary, the available evidence is currently insufficient to determine the role of this variant in disease. Therefore, it has been classified as a Variant of Uncertain Significance.

Revvity Omics, Revvity
Classification: Uncertain significance. Last evaluated: 2019-06-06. Review status: criteria provided, single submitter. Criteria: ACMG Guidelines, 2015. Collection method: clinical testing. Allele origin: germline.

NM_001130987.2(DYSF):c.4178G>A (p.Arg1393Gln)

Gene: DYSF (dysferlin; plus strand). Cytogenetic location: 2p13.2.
Variant type: single nucleotide variant.
Coding change: c.4178G>A on transcript NM_001130987.2 (MANE Select); coding-DNA position 4178, G replaced by A.
Protein change: p.Arg1393Gln; replaces arginine 1393 with glutamine.
Molecular consequence: missense variant.
Genome position (GRCh38, 1-based): chr2:71,611,583, G>A. VCF-style: chr2-71611583-G-A. GRCh37 (hg19) VCF-style: chr2-71838713-G-A.
Other names: c.4127G>A, p.Arg1376Gln (NM_001130455.2, NM_001130983.2); c.4082G>A, p.Arg1361Gln (NM_001130976.2, NM_001130977.2); c.4124G>A, p.Arg1375Gln (NM_001130978.2, NM_003494.4); c.4217G>A, p.Arg1406Gln (NM_001130979.2); c.4175G>A, p.Arg1392Gln (NM_001130980.2, NM_001130981.2); c.4220G>A, p.Arg1407Gln (NM_001130982.2); c.4085G>A, p.Arg1362Gln (NM_001130984.2, NM_001130986.2); c.4178G>A, p.Arg1393Gln (NM_001130985.2); short protein forms R1375Q, R1392Q, R1407Q, R1362Q, R1376Q, R1393Q, R1361Q, R1406Q.
Identifiers: ClinVar variation 2048971 (VCV002048971.6), dbSNP rs749549982, ClinGen allele CA1706912.
Genomic context (GRCh38, chr2:71,611,583, plus strand): 5'-CCAGCCTCGTGGTAGAGTGTGGGGGCCAGACGGTGCAGTCCTGTGTCATCAGGAACCTCC[G>A]GAAGAACCCCAACTTTGACATCTGCACCCTCTTCATGGAAGTGGTGAGCCCCACCTCCCT-3'
Protein context (NP_001124459.1, residues 1383-1403): TVQSCVIRNL[Arg1393Gln]KNPNFDICTL